The following is an entry in ClinVar:

ClinVar aggregate classification (germline): Uncertain significance. Review status: criteria provided, multiple submitters, no conflicts (2 of 4 stars). 2 submissions from 2 submitters: Uncertain significance (2). Last evaluated 2024-12-08.

Conditions:
Primary dilated cardiomyopathy (DCM). Also called: Dilated Cardiomyopathy. Identifiers: Orphanet 217604, MedGen C0007193, MeSH D002311, MONDO:0005021, HP:0001644. Inheritance: Various modes of inheritance.
Hypertrophic cardiomyopathy. Also called: HYPERTROPHIC MYOCARDIOPATHY. Identifiers: Orphanet 217569, MedGen C0007194, MeSH D002312, MONDO:0005045, HP:0001639.

Allele frequency attached by ClinVar (database versions not stated): gnomAD exomes 0.00001; TOPMed 0.00001; gnomAD 0.00002.
gnomAD v4.1: 7 of 1,613,988 alleles (0.00043%); highest among the groups gnomAD compares: Admixed American, 0.0033%; no homozygotes.

Submissions (2):

Labcorp Genetics (formerly Invitae), Labcorp
Classification: Uncertain significance for Hypertrophic cardiomyopathy; Primary dilated cardiomyopathy. Last evaluated: 2024-12-08. Review status: criteria provided, single submitter. Criteria: Invitae Variant Classification Sherloc (09022015). Collection method: clinical testing. Allele origin: germline.
Comment: This sequence change replaces proline, which is neutral and non-polar, with leucine, which is neutral and non-polar, at codon 277 of the PDLIM3 protein (p.Pro277Leu). This variant is present in population databases (no rsID available, gnomAD 0.003%). This variant has not been reported in the literature in individuals affected with PDLIM3-related conditions. ClinVar contains an entry for this variant (Variation ID: 1762868). Invitae Evidence Modeling of protein sequence and biophysical properties (such as structural, functional, and spatial information, amino acid conservation, physicochemical variation, residue mobility, and thermodynamic stability) indicates that this missense variant is expected to disrupt PDLIM3 protein function with a positive predictive value of 80%. In summary, the available evidence is currently insufficient to determine the role of this variant in disease. Therefore, it has been classified as a Variant of Uncertain Significance.

Ambry Genetics
Classification: Uncertain significance. Last evaluated: 2022-04-01. Review status: criteria provided, single submitter. Criteria: Ambry Variant Classification Scheme 2023. Collection method: clinical testing. Allele origin: germline.
Comment: The p.P277L variant (also known as c.830C>T), located in coding exon 7 of the PDLIM3 gene, results from a C to T substitution at nucleotide position 830. The proline at codon 277 is replaced by leucine, an amino acid with similar properties. This amino acid position is conserved. In addition, the in silico prediction for this alteration is inconclusive. Since supporting evidence is limited at this time, the clinical significance of this alteration remains unclear.

NM_014476.6(PDLIM3):c.830C>T (p.Pro277Leu)

Gene: PDLIM3 (PDZ and LIM domain 3; minus strand). Cytogenetic location: 4q35.1.
Variant type: single nucleotide variant.
Coding change: c.830C>T on transcript NM_014476.6 (MANE Select); coding-DNA position 830, C replaced by T.
Protein change: p.Pro277Leu; replaces proline 277 with leucine.
Molecular consequence: missense variant. On other transcripts: non-coding transcript variant (1).
Genome position (GRCh38, 1-based): chr4:185,504,550, G>A on the plus strand (C>T on the coding strand, the complement: PDLIM3 is on the minus strand). VCF-style: chr4-185504550-G-A. GRCh37 (hg19) VCF-style: chr4-186425704-G-A.
Other names: c.686C>T, p.Pro229Leu (NM_001114107.5); c.566C>T, p.Pro189Leu (NM_001257962.2); c.329C>T, p.Pro110Leu (NM_001257963.2); short protein forms P229L, P277L, P110L, P189L.
Identifiers: ClinVar variation 1762868 (VCV001762868.7), dbSNP rs1384878275, ClinGen allele CA358921307.